The following is an entry in ClinVar:

ClinVar aggregate classification (germline): Uncertain significance (1 of 4 stars; one submission).

Conditions:
Familial hemophagocytic lymphohistiocytosis 2 (FHL2). Also called: PRF1-Related Familial Hemophagocytic Lymphohistiocytosis (PRF1-fHLH). Identifiers: Orphanet 540, MedGen C1863727, MONDO:0011337, OMIM 603553.

Allele frequency attached by ClinVar (database versions not stated): gnomAD exomes 0.00001; ExAC 0.00002.

Submission:

Labcorp Genetics (formerly Invitae), Labcorp
Classification: Uncertain significance for Familial hemophagocytic lymphohistiocytosis 2. Last evaluated: 2021-08-13. Review status: criteria provided, single submitter. Criteria: Invitae Variant Classification Sherloc (09022015). Collection method: clinical testing. Allele origin: germline.
Comment: This sequence change replaces cysteine with glycine at codon 407 of the PRF1 protein (p.Cys407Gly). The cysteine residue is highly conserved and there is a large physicochemical difference between cysteine and glycine. This variant is present in population databases (rs753751595, ExAC 0.003%). This missense change has been observed in individual(s) with clinical features of PRF1-related conditions (Invitae). In at least one individual the data is consistent with the variant being in trans (on the opposite chromosome) from a pathogenic variant. Algorithms developed to predict the effect of missense changes on protein structure and function (SIFT, PolyPhen-2, Align-GVGD) all suggest that this variant is likely to be disruptive. In summary, the available evidence is currently insufficient to determine the role of this variant in disease. Therefore, it has been classified as a Variant of Uncertain Significance.

NM_001083116.3(PRF1):c.1219T>G (p.Cys407Gly)

Gene: PRF1 (perforin 1; minus strand). Cytogenetic location: 10q22.1.
Variant type: single nucleotide variant.
Coding change: c.1219T>G on transcript NM_001083116.3 (MANE Select); coding-DNA position 1219, T replaced by G.
Protein change: p.Cys407Gly; replaces cysteine 407 with glycine.
Molecular consequence: missense variant.
Genome position (GRCh38, 1-based): chr10:70,598,502, A>C on the plus strand (T>G on the coding strand, the complement: PRF1 is on the minus strand). VCF-style: chr10-70598502-A-C. GRCh37 (hg19) VCF-style: chr10-72358258-A-C.
Other names: c.1219T>G, p.Cys407Gly (NM_005041.6); short protein forms C407G.
Identifiers: ClinVar variation 468299 (VCV000468299.6), dbSNP rs753751595, ClinGen allele CA5538790.